The following is an entry in ClinVar:

ClinVar aggregate classification (germline): Conflicting classifications of pathogenicity. Review status: criteria provided, conflicting classifications (1 of 4 stars). 12 submissions from 12 submitters: Uncertain significance (8); Likely benign (4). Last evaluated 2026-10-01.

Conditions:
MYH11-related disorder. Also called: MYH11-related condition.
Familial thoracic aortic aneurysm and aortic dissection (TAAD). Also called: Thoracic aortic aneurysms and dissections. Identifiers: Orphanet 91387, MedGen C4707243, MONDO:0019625.
Aortic aneurysm, familial thoracic 4 (AAT4). Also called: AORTIC ANEURYSM/AORTIC DISSECTION AND PATENT DUCTUS ARTERIOSUS. Identifiers: MedGen C1851504, MONDO:0007568, OMIM 132900.

Allele frequency attached by ClinVar (database versions not stated): ExAC 0.00026; gnomAD exomes 0.00026; gnomAD 0.00027 and 0.00028; ESP Exome Variant Server 0.00031; TOPMed 0.00031.
gnomAD v4.1: 952 of 1,613,786 alleles (0.059%); highest among the groups gnomAD compares: Non-Finnish European, 0.076%; 1 homozygote.

Submissions (12):

GeneDx
Classification: Uncertain significance. Last evaluated: 2026-10-01. Review status: criteria provided, single submitter. Criteria: GeneDx Variant Classification Process June 2021. Collection method: clinical testing. Allele origin: germline.
Comment: Identified in a patient with severe arterial tortuosity and coarctation of the aorta, and in the asymptomatic mother (PMID: 23696586); In silico analysis supports that this missense variant has a deleterious effect on protein structure/function; This variant is associated with the following publications: (PMID: 23696586, 35372177)

CeGaT Center for Human Genetics Tuebingen
Classification: Uncertain significance. Last evaluated: 2026-07-01. Review status: criteria provided, single submitter. Criteria: CeGaT Center For Human Genetics Tuebingen Variant Classification Criteria Version 2. Collection method: clinical testing. Allele origin: germline. Affected: yes. Observed: 2 variant alleles.
Comment: MYH11: PP3

PreventionGenetics, part of Exact Sciences
Classification: Uncertain significance for MYH11-related condition. Last evaluated: 2025-10-16. Review status: criteria provided, single submitter. Criteria: ACMG Guidelines, 2015. Collection method: clinical testing. Allele origin: germline.
Comment: The MYH11 c.2096C>T variant is predicted to result in the amino acid substitution p.Ala699Val. This variant was reported in an individual with severe arterial tortuosity with mild concentric left ventricular hypertrophy (Loup et al. 2013. PubMed ID: 23696586, reported as c.2075C>T p.Ala692Val). The variant was inherited from the individual's mother, who had no evidence of aortic dilatation, suggesting that the variant was not pathogenic. This variant is reported in 0.046% of alleles in individuals of European (Non-Finnish) descent in gnomAD. Although we suspect that this variant may be benign, at this time, the clinical significance of this variant is uncertain due to the absence of conclusive functional and genetic evidence.

Women's Health and Genetics/Laboratory Corporation of America, LabCorp
Classification: Uncertain significance. Last evaluated: 2025-08-11. Review status: criteria provided, single submitter. Criteria: LabCorp Variant Classification Summary - May 2015. Collection method: clinical testing. Allele origin: germline.
Comment: Variant summary: MYH11 c.2096C>T (p.Ala699Val) results in a non-conservative amino acid change located in the Myosin head, motor domain of the encoded protein sequence. Algorithms developed to predict the effect of missense changes on protein structure and function all suggest that this variant is likely to be disruptive. The variant allele was found at a frequency of 0.00026 in 250856 control chromosomes, predominantly at a frequency of 0.00049 within the Non-Finnish European subpopulation in the gnomAD database. This frequency is not significantly higher than estimated for a pathogenic variant in MYH11 causing Megacystis-microcolon-intestinal hypoperistalsis syndrome 2 (0.00026 vs 0.0011), allowing no conclusion about variant significance.c.2096C>T has been reported in the literature in an individual with a clinical phenotype that is not compatible with thoracic aortic aneurysm; These report(s) do not provide unequivocal conclusions about association of the variant with Megacystis-Microcolon Hypoperistalsis Syndrome 2. To our knowledge, no experimental evidence demonstrating an impact on protein function has been reported. The following publication have been ascertained in the context of this evaluation (PMID: 23696586). ClinVar contains an entry for this variant (Variation ID: 201054). Based on the evidence outlined above, the variant was classified as uncertain significance.

ARUP Laboratories, Molecular Genetics and Genomics, ARUP Laboratories
Classification: Uncertain significance. Last evaluated: 2025-07-15. Review status: criteria provided, single submitter. Criteria: ARUP Molecular Germline Variant Investigation Process 2024. Collection method: clinical testing. Allele origin: germline.
Comment: The MYH11 c.2075C>T; p.Ala692Val variant (rs148893135; ClinVar ID: 201054) is reported in the literature in an individual with arterial tortuosity and aortic coarctation but also in their unaffected parent (Loup 2013). This variant is found in the general population with an overall allele frequency of 0.02% (69/ 282,246 alleles) in the Genome Aggregation Database (v2.1.1). Computational analyses are uncertain whether this variant is neutral or deleterious (REVEL: 0.57). Due to limited information, the clinical significance of the p.Ala692Val variant is uncertain at this time. References: Loup O et al. Severe arterial tortuosity in an asymptomatic infant with coarctation. Circ Cardiovasc Imaging. 2013 May 1;6(3):487-90. PMID: 23696586.

Ambry Genetics
Classification: Uncertain significance for Familial thoracic aortic aneurysm and aortic dissection. Last evaluated: 2025-05-14. Review status: criteria provided, single submitter. Criteria: Ambry Variant Classification Scheme 2023. Collection method: clinical testing. Allele origin: germline.
Comment: The p.A692V variant (also known as c.2075C>T), located in coding exon 16 of the MYH11 gene, results from a C to T substitution at nucleotide position 2075. The alanine at codon 692 is replaced by valine, an amino acid with similar properties. This alteration was reported in an infant with arterial tortuosity and the unaffected mother (Loup O et al. Circ Cardiovasc Imaging, 2013 May;6:487-90). This amino acid position is well conserved in available vertebrate species. In addition, the in silico prediction for this alteration is inconclusive. Based on the available evidence, the clinical significance of this variant remains unclear.

Mayo Clinic Laboratories, Mayo Clinic
Classification: Likely benign. Last evaluated: 2025-03-04. Review status: criteria provided, single submitter. Criteria: ACMG Guidelines, 2015. Collection method: clinical testing. Allele origin: germline. Observed: 2 variant alleles.
Comment: BS1

Labcorp Genetics (formerly Invitae), Labcorp
Classification: Uncertain significance for Aortic aneurysm, familial thoracic 4. Last evaluated: 2025-01-31. Review status: criteria provided, single submitter. Criteria: Invitae Variant Classification Sherloc (09022015). Collection method: clinical testing. Allele origin: germline.
Comment: This sequence change replaces alanine, which is neutral and non-polar, with valine, which is neutral and non-polar, at codon 699 of the MYH11 protein (p.Ala699Val). This variant is present in population databases (rs148893135, gnomAD 0.05%). This variant has not been reported in the literature in individuals affected with MYH11-related conditions. ClinVar contains an entry for this variant (Variation ID: 201054). Invitae Evidence Modeling of protein sequence and biophysical properties (such as structural, functional, and spatial information, amino acid conservation, physicochemical variation, residue mobility, and thermodynamic stability) indicates that this missense variant is not expected to disrupt MYH11 protein function with a negative predictive value of 95%. In summary, the available evidence is currently insufficient to determine the role of this variant in disease. Therefore, it has been classified as a Variant of Uncertain Significance.

Color Diagnostics, LLC DBA Color Health
Classification: Likely benign for Familial thoracic aortic aneurysm and aortic dissection. Last evaluated: 2025-01-06. Review status: criteria provided, single submitter. Criteria: ACMG Guidelines, 2015. Collection method: clinical testing. Allele origin: germline.

Blueprint Genetics
Classification: Likely benign. Last evaluated: 2024-11-15. Review status: criteria provided, single submitter. Criteria: ACMG Guidelines, 2015. Collection method: clinical testing. Allele origin: germline.

Revvity Omics, Revvity
Classification: Uncertain significance. Last evaluated: 2021-03-17. Review status: criteria provided, single submitter. Criteria: ACMG Guidelines, 2015. Collection method: clinical testing. Allele origin: germline.

CHEO Genetics Diagnostic Laboratory, Children's Hospital of Eastern Ontario
Classification: Likely benign for Familial thoracic aortic aneurysm and aortic dissection. Last evaluated: 2020-05-14. Review status: criteria provided, single submitter. Criteria: ACMG Guidelines, 2015. Collection method: clinical testing. Allele origin: germline. Study: Canadian Open Genetics Repository.

Literature cited by the submitters: PubMed 23696586 (cited by 3 submitters).

NM_002474.3(MYH11):c.2075C>T (p.Ala692Val)

Gene: MYH11 (myosin heavy chain 11; minus strand). Cytogenetic location: 16p13.11.
Variant type: single nucleotide variant.
Coding change: c.2075C>T on transcript NM_002474.3 (MANE Select); coding-DNA position 2075, C replaced by T.
Protein change: p.Ala692Val; replaces alanine 692 with valine.
Molecular consequence: missense variant.
Genome position (GRCh38, 1-based): chr16:15,748,152, G>A on the plus strand (C>T on the coding strand, the complement: MYH11 is on the minus strand). VCF-style: chr16-15748152-G-A. GRCh37 (hg19) VCF-style: chr16-15842009-G-A.
Other names: p.A692V:GCG>GTG; p.Ala699Val; c.2096C>T, p.Ala699Val (NM_001040113.2, NM_001040114.2); c.2075C>T, p.Ala692Val (NM_022844.3); short protein forms A692V, A699V.
Identifiers: ClinVar variation 201054 (VCV000201054.83), dbSNP rs148893135, ClinGen allele CA306504.